The following is an entry in ClinVar:

NM_177438.3(DICER1):c.5498T>C (p.Val1833Ala)

Gene: DICER1 (dicer 1, ribonuclease III; minus strand). Cytogenetic location: 14q32.13.
Variant type: single nucleotide variant.
Coding change: c.5498T>C on transcript NM_177438.3 (MANE Select); coding-DNA position 5498, T replaced by C.
Protein change: p.Val1833Ala; replaces valine 1833 with alanine.
Molecular consequence: missense variant. On other transcripts: intron variant (1).
Genome position (GRCh38, 1-based): chr14:95,091,232, A>G on the plus strand (T>C on the coding strand, the complement: DICER1 is on the minus strand). VCF-style: chr14-95091232-A-G. GRCh37 (hg19) VCF-style: chr14-95557569-A-G.
Other names: c.5498T>C, p.Val1833Ala (NM_001271282.3, NM_001291628.2, NM_030621.4); c.5365-123T>C (NM_001195573.1); short protein forms V1833A.
Identifiers: ClinVar variation 998600 (VCV000998600.10), dbSNP rs1324448543, ClinGen allele CA390864518.

ClinVar aggregate classification (germline): Uncertain significance (1 of 4 stars; one submission).

Conditions:
DICER1-related tumor predisposition. Also called: DICER1 syndrome; DICER1-related pleuropulmonary blastoma cancer predisposition syndrome. Identifiers: Orphanet 284343, MedGen C3839822, MONDO:0100216.

Submission:

Labcorp Genetics (formerly Invitae), Labcorp
Classification: Uncertain significance for DICER1-related tumor predisposition. Last evaluated: 2020-09-23. Review status: criteria provided, single submitter. Criteria: Invitae Variant Classification Sherloc (09022015). Collection method: clinical testing. Allele origin: germline.
Comment: In summary, the available evidence is currently insufficient to determine the role of this variant in disease. Therefore, it has been classified as a Variant of Uncertain Significance. Algorithms developed to predict the effect of missense changes on protein structure and function (SIFT, PolyPhen-2, Align-GVGD) all suggest that this variant is likely to be disruptive, but these predictions have not been confirmed by published functional studies and their clinical significance is uncertain. This variant has not been reported in the literature in individuals with DICER1-related conditions. This variant is not present in population databases (ExAC no frequency). This sequence change replaces valine with alanine at codon 1833 of the DICER1 protein (p.Val1833Ala). The valine residue is highly conserved and there is a small physicochemical difference between valine and alanine.